The following is an entry in ClinVar:

NM_014112.5(TRPS1):c.3182A>G (p.Asp1061Gly)

Gene: TRPS1 (transcriptional repressor GATA binding 1; minus strand). Cytogenetic location: 8q23.3.
Variant type: single nucleotide variant.
Coding change: c.3182A>G on transcript NM_014112.5 (MANE Select); coding-DNA position 3182, A replaced by G.
Protein change: p.Asp1061Gly; replaces aspartic acid 1061 with glycine.
Molecular consequence: missense variant.
Genome position (GRCh38, 1-based): chr8:115,414,726, T>C on the plus strand (A>G on the coding strand, the complement: TRPS1 is on the minus strand). VCF-style: chr8-115414726-T-C. GRCh37 (hg19) VCF-style: chr8-116426954-T-C.
Other names: c.3155A>G, p.Asp1052Gly (NM_001282902.3); c.3161A>G, p.Asp1054Gly (NM_001282903.3); c.3143A>G, p.Asp1048Gly (NM_001330599.2); short protein forms D1048G, D1052G, D1054G, D1061G.
Identifiers: ClinVar variation 3748458 (VCV003748458.2).
Genomic context (GRCh38, chr8:115,414,726, plus strand): 5'-ATAGGACTGCCTCTCTCAGAACTTCCTTTCCCTTCAGATACGGATGAACTATTTCCTGGA[T>C]CTCCAGTACTTTCCTGAGGACTTTTTATCTGAATGTGCAAAGGTTGCATCCTTTTGTGAA-3'
Protein context (NP_054831.2, residues 1051-1071): QIKSPQESTG[Asp1061Gly]PGNSSSVSEG

ClinVar aggregate classification (germline): Uncertain significance (1 of 4 stars; one submission).

Conditions:
Trichorhinophalangeal syndrome, type III (TRPS3). Also called: SUGIO-KAJII SYNDROME. Identifiers: Orphanet 77258, MedGen C1860823, OMIM 190351, MONDO:0008597.
Trichorhinophalangeal dysplasia type I (TRPS1). Also called: TRICHORHINOPHALANGEAL SYNDROME, TYPE I; TRPS I. Identifiers: Orphanet 77258, MedGen C0432233, MONDO:0008596, OMIM 190350.

gnomAD v4.1: 5 of 1,613,950 alleles (0.00031%); highest among the groups gnomAD compares: Non-Finnish European, 0.00042%; no homozygotes.

Submission:

Labcorp Genetics (formerly Invitae), Labcorp
Classification: Uncertain significance for Trichorhinophalangeal syndrome, type III; Trichorhinophalangeal dysplasia type I. Last evaluated: 2024-11-11. Review status: criteria provided, single submitter. Criteria: Invitae Variant Classification Sherloc (09022015). Collection method: clinical testing. Allele origin: germline.
Comment: This sequence change replaces aspartic acid, which is acidic and polar, with glycine, which is neutral and non-polar, at codon 1061 of the TRPS1 protein (p.Asp1061Gly). This variant is present in population databases (rs765734157, gnomAD 0.002%). This variant has not been reported in the literature in individuals affected with TRPS1-related conditions. Invitae Evidence Modeling of protein sequence and biophysical properties (such as structural, functional, and spatial information, amino acid conservation, physicochemical variation, residue mobility, and thermodynamic stability) indicates that this missense variant is not expected to disrupt TRPS1 protein function with a negative predictive value of 80%. In summary, the available evidence is currently insufficient to determine the role of this variant in disease. Therefore, it has been classified as a Variant of Uncertain Significance.